The following is an entry in ClinVar:

ClinVar aggregate classification (germline): Uncertain significance (1 of 4 stars; one submission).

Conditions:
Familial meningioma. Also called: Meningioma, familial, susceptibility to. Identifiers: Orphanet 263662, MedGen C3551915, MONDO:0011789, OMIM 607174.

Allele frequency attached by ClinVar (database versions not stated): TOPMed below 0.00001; gnomAD 0.00001.
gnomAD v4.1: 1 of 1,609,530 alleles (0.000062%); highest among the groups gnomAD compares: African/African-American, 0.0013%; no homozygotes.

Submission:

Labcorp Genetics (formerly Invitae), Labcorp
Classification: Uncertain significance for Familial meningioma. Last evaluated: 2024-02-01. Review status: criteria provided, single submitter. Criteria: Invitae Variant Classification Sherloc (09022015). Collection method: clinical testing. Allele origin: germline.
Comment: This sequence change falls in intron 7 of the SMARCE1 gene. It does not directly change the encoded amino acid sequence of the SMARCE1 protein. This variant is not present in population databases (gnomAD no frequency). This variant has not been reported in the literature in individuals affected with SMARCE1-related conditions. Algorithms developed to predict the effect of sequence changes on RNA splicing suggest that this variant may disrupt the consensus splice site. In summary, the available evidence is currently insufficient to determine the role of this variant in disease. Therefore, it has been classified as a Variant of Uncertain Significance.

NM_003079.5(SMARCE1):c.542-17C>G

Gene: SMARCE1 (SWI/SNF related BAF chromatin remodeling complex subunit E1; minus strand). Cytogenetic location: 17q21.2.
Variant type: single nucleotide variant.
Coding change: c.542-17C>G on transcript NM_003079.5 (MANE Select); 17 bases into the intron before coding-DNA position 542, C replaced by G.
Molecular consequence: intron variant.
Genome position (GRCh38, 1-based): chr17:40,632,384, G>C on the plus strand (C>G on the coding strand, the complement: SMARCE1 is on the minus strand). VCF-style: chr17-40632384-G-C. GRCh37 (hg19) VCF-style: chr17-38788636-G-C.
Identifiers: ClinVar variation 2916592 (VCV002916592.3), dbSNP rs1319427632, ClinGen allele CA771950493.